The following is an entry in ClinVar:

ClinVar aggregate classification (germline): Likely benign (1 of 4 stars; one submission).

Allele frequency attached by ClinVar (database versions not stated): ESP Exome Variant Server 0.00008; gnomAD 0.00046 and 0.00054; TOPMed 0.00055; ExAC 0.00082; 1000 Genomes Project 30x 0.00203; 1000 Genomes Project 0.00260.
gnomAD v4.1: 503 of 1,590,128 alleles (0.032%); highest among the groups gnomAD compares: East Asian, 0.73%; no homozygotes.

Submission:

Women's Health and Genetics/Laboratory Corporation of America, LabCorp
Classification: Likely benign. Last evaluated: 2016-04-29. Review status: criteria provided, single submitter. Criteria: LabCorp Variant Classification Summary - May 2015. Collection method: clinical testing. Allele origin: germline.
Comment: Variant summary: The c.1533+50G>A variant affects a non-conserved intronic nucleotide. Mutation taster predicts benign outcome for this variant along with 3/5 in silico tools via Alamut predicting no significant impact on splicing by the variant. This variant is found in 95/115314 control chromosomes at a frequency of 0.0008238, which does not exceed maximal expected frequency of a pathogenic allele (0.0017678). However, in the East Asian subcohort, the allele frequency of the variant is ~1% indicating the variant to be a neutral polymorphism in individuals of East Asian origin. The variant of interest has not, to our knowledge, been reported in affected individuals via publications and/or reputable databases/clinical laboratories; nor evaluated for functional impact by in vivo/vitro studies. Taken together, this variant was classified as Probably Normal until more information becomes available.

NM_000136.3(FANCC):c.1533+50G>A

Genes: FANCC (FA complementation group C; minus strand), AOPEP (aminopeptidase O (putative); plus strand). Cytogenetic location: 9q22.32.
Variant type: single nucleotide variant.
Coding change: c.1533+50G>A on transcript NM_000136.3 (MANE Select); 50 bases into the intron after coding-DNA position 1533, G replaced by A.
Molecular consequence: intron variant.
Genome position (GRCh38, 1-based): chr9:95,107,016, C>T on the plus strand (G>A on the coding strand, the complement: FANCC is on the minus strand). VCF-style: chr9-95107016-C-T. GRCh37 (hg19) VCF-style: chr9-97869298-C-T.
Other names: c.1533+50G>A (NM_001243743.2).
Identifiers: ClinVar variation 495552 (VCV000495552.1), dbSNP rs4647544, ClinGen allele CA5137308.